The following is an entry in ClinVar:

NM_004991.4(MECOM):c.955T>C (p.Tyr319His)

Gene: MECOM (MDS1 and EVI1 complex locus; minus strand). Cytogenetic location: 3q26.2.
Variant type: single nucleotide variant.
Coding change: c.955T>C on transcript NM_004991.4 (MANE Select); coding-DNA position 955, T replaced by C.
Protein change: p.Tyr319His; replaces tyrosine 319 with histidine.
Molecular consequence: missense variant.
Genome position (GRCh38, 1-based): chr3:169,122,603, A>G on the plus strand (T>C on the coding strand, the complement: MECOM is on the minus strand). VCF-style: chr3-169122603-A-G. GRCh37 (hg19) VCF-style: chr3-168840391-A-G.
Other names: c.391T>C, p.Tyr131His (NM_001366471.2, NM_001366472.2, NM_001366474.2 and 9 more transcripts); c.955T>C, p.Tyr319His (NM_001366473.2, NM_001366466.2); c.583T>C, p.Tyr195His (NM_001105077.4); c.955T>C (NM_004991.3); short protein forms Y319H, Y131H, Y195H.
Identifiers: ClinVar variation 3015390 (VCV003015390.4), dbSNP rs144195477, ClinGen allele CA87579445.
Genomic context (GRCh38, chr3:169,122,603, plus strand): 5'-ACATAGAGAGGCCAAGTAGCCTACAAATTCACTGTACCTTGGCACAGTTTTCACATTCAT[A>G]GTGCTTTCCACTGTCATGTGACATCTGGTGGCGAATTAAATTGGACTTCCAGTTAAATGC-3'
Protein context (NP_004982.2, residues 309-329): HQMSHDSGKH[Tyr319His]ECENCAKVFT

ClinVar aggregate classification (germline): Uncertain significance. Review status: criteria provided, multiple submitters, no conflicts (2 of 4 stars). 2 submissions from 2 submitters: Uncertain significance (2). Last evaluated 2025-01-05.

Conditions:
Inborn genetic diseases. Identifiers: MedGen C0950123, MeSH D030342.

Allele frequency attached by ClinVar (database versions not stated): gnomAD 0.00001; gnomAD exomes 0.00001; TOPMed 0.00002; ESP Exome Variant Server 0.00008.
gnomAD v4.1: 19 of 1,613,938 alleles (0.0012%); highest among the groups gnomAD compares: Non-Finnish European, 0.0016%; no homozygotes.

Submissions (2):

Ambry Genetics
Classification: Uncertain significance for Inborn genetic diseases. Last evaluated: 2025-01-05. Review status: criteria provided, single submitter. Criteria: Ambry Variant Classification Scheme 2023. Collection method: clinical testing. Allele origin: germline.
Comment: The p.Y319H variant (also known as c.955T>C), located in coding exon 6 of the MECOM gene, results from a T to C substitution at nucleotide position 955. The tyrosine at codon 319 is replaced by histidine, an amino acid with similar properties. This amino acid position is conserved. In addition, this alteration is predicted to be deleterious by in silico analysis. Based on the available evidence, the clinical significance of this variant remains unclear.

Labcorp Genetics (formerly Invitae), Labcorp
Classification: Uncertain significance. Last evaluated: 2024-02-02. Review status: criteria provided, single submitter. Criteria: Invitae Variant Classification Sherloc (09022015). Collection method: clinical testing. Allele origin: germline.
Comment: This sequence change replaces tyrosine, which is neutral and polar, with histidine, which is basic and polar, at codon 131 of the MECOM protein (p.Tyr131His). This variant is not present in population databases (gnomAD no frequency). This variant has not been reported in the literature in individuals affected with MECOM-related conditions. An algorithm developed to predict the effect of missense changes on protein structure and function (PolyPhen-2) suggests that this variant is likely to be disruptive. In summary, the available evidence is currently insufficient to determine the role of this variant in disease. Therefore, it has been classified as a Variant of Uncertain Significance.